The following is an entry in ClinVar:

ClinVar aggregate classification (germline): Pathogenic. Review status: criteria provided, multiple submitters, no conflicts (2 of 4 stars). 3 submissions from 3 submitters: Pathogenic (3). Last evaluated 2026-07-01.

Conditions:
Glycogen storage disease, type II (IOPD). Also called: CARDIOMEGALIA GLYCOGENICA DIFFUSA; GLYCOGENOSIS, GENERALIZED, CARDIAC FORM; GSD II; POMPE DISEASE, INFANTILE-ONSET; GLYCOGEN STORAGE DISEASE II, INFANTILE-ONSET; ACID ALPHA-GLUCOSIDASE DEFICIENCY, INFANTILE-ONSET. Identifiers: Orphanet 365, MedGen C0017921, MONDO:0009290, OMIM 232300.

Submissions (3):

Genomenon, Inc
Classification: Pathogenic for Glycogen storage disease, type II. Last evaluated: 2026-07-01. Review status: criteria provided, single submitter. Criteria: Genomenon Sequence Variant Interpretation Standards - Updated. Collection method: curation. Allele origin: germline. Affected: yes.
Comment: GAA p.Asp616ThrfsTer80 (c.1846del) is a frameshift variant that is predicted to introduce a premature termination codon and result in a truncated or absent protein product. This variant has been observed in at least one proband with a GAA-related disorder (PMID:37087815). It is absent or not present at a significant frequency in gnomAD. In conclusion, we classify GAA p.Asp616ThrfsTer80 (c.1846del) as a pathogenic variant.

Baylor Genetics
Classification: Pathogenic for Glycogen storage disease, type II. Last evaluated: 2023-11-11. Review status: criteria provided, single submitter. Criteria: ACMG Guidelines, 2015. Collection method: clinical testing. Allele origin: unknown.

Revvity Omics, Revvity
Classification: Pathogenic. Last evaluated: 2021-09-10. Review status: criteria provided, single submitter. Criteria: ACMG Guidelines, 2015. Collection method: clinical testing. Allele origin: germline.

Literature cited by the submitters: PubMed 37087815 (cited by Genomenon, Inc).

NM_000152.5(GAA):c.1846del (p.Asp616fs)

Gene: GAA (alpha glucosidase; plus strand). Cytogenetic location: 17q25.3.
Variant type: Deletion.
Coding change: c.1846del on transcript NM_000152.5 (MANE Select); coding-DNA position 1846, one base deleted (G; older notation c.1846delG).
Protein change: p.Asp616fs; shifts the reading frame from aspartic acid 616.
Molecular consequence: frameshift variant.
Genome position (GRCh38, 1-based): chr17:80,112,669, G deleted; the last of 5 consecutive G bases (chr17:80,112,665-80,112,669); deleting any one gives the same sequence. VCF-style (leftmost placement, unchanged base first): chr17-80112664-CG-C. GRCh37 (hg19) VCF-style: chr17-78086463-CG-C.
Other names: c.1846del, p.Asp616fs (NM_001079803.3, NM_001079804.3); short protein forms D616fs.
Identifiers: ClinVar variation 1322955 (VCV001322955.6), dbSNP rs1249187013, ClinGen allele CA2573054605.